The following is an entry in ClinVar:

ClinVar aggregate classification (germline): Pathogenic/Likely pathogenic. Review status: criteria provided, multiple submitters, no conflicts (2 of 4 stars). 4 submissions from 4 submitters: Pathogenic (3); Likely pathogenic (1). Last evaluated 2026-01-16.

Conditions:
Aicardi-Goutieres syndrome 2. Identifiers: Orphanet 51, MedGen C3489724, MONDO:0012429, OMIM 610181.

Allele frequency attached by ClinVar (database versions not stated): gnomAD exomes 0.00001 and below 0.00001; gnomAD 0.00001; TOPMed below 0.00001; ExAC 0.00001.
gnomAD v4.1: 22 of 1,613,638 alleles (0.0014%); highest among the groups gnomAD compares: Non-Finnish European, 0.0018%; no homozygotes.

Submissions (4):

Labcorp Genetics (formerly Invitae), Labcorp
Classification: Pathogenic for Aicardi-Goutieres syndrome 2. Last evaluated: 2026-01-16. Review status: criteria provided, single submitter. Criteria: Invitae Variant Classification Sherloc (09022015). Collection method: clinical testing. Allele origin: germline.
Comment: This sequence change creates a premature translational stop signal (p.Gln58*) in the RNASEH2B gene. It is expected to result in an absent or disrupted protein product. Loss-of-function variants in RNASEH2B are known to be pathogenic (PMID: 17846997). This variant is present in population databases (rs75326546, gnomAD 0.004%). This premature translational stop signal has been observed in individual(s) with Aicardi-Goutieres syndrome (PMID: 17846997). ClinVar contains an entry for this variant (Variation ID: 1399926). Algorithms developed to predict the effect of sequence changes on RNA splicing suggest that this variant may disrupt the consensus splice site. For these reasons, this variant has been classified as Pathogenic.

Myriad Genetics, Inc.
Classification: Pathogenic for Aicardi-Goutieres syndrome 2. Last evaluated: 2024-08-31. Review status: criteria provided, single submitter. Criteria: Myriad Autosomal Dominant, Autosomal Recessive and X-Linked Classification Criteria (2023). Collection method: clinical testing. Allele origin: unknown.
Comment: NM_024570.3(RNASEH2B):c.172C>T(Q58*) is expected to be pathogenic in the context of Aicardi-Goutieres syndrome, RNASEH2B-related. This variant is predicted to lead to an abnormal or absent protein product due to the creation of a premature termination codon in RNASEH2B, a gene where loss-of-function variants are known to be pathogenic. Please note: this variant was assessed in the context of healthy population screening.

Fulgent Genetics
Classification: Likely pathogenic for Aicardi-Goutieres syndrome 2. Last evaluated: 2024-01-03. Review status: criteria provided, single submitter. Criteria: ACMG Guidelines, 2015. Collection method: clinical testing. Allele origin: germline.

Dasa
Classification: Pathogenic for Aicardi-Goutieres syndrome 2. Last evaluated: 2022-11-03. Review status: criteria provided, single submitter. Criteria: ACMG Guidelines, 2015. Collection method: clinical testing. Allele origin: germline. Affected: yes. Observed: 1 variant allele.
Comment: The c.172C>T;p.(Gln58*) variant creates a premature translational stop signal in the RNASEH2B gene. It is expected to result in an absent or disrupted protein product - PVS1. This sequence change has been observed in affected individual(s) and ClinVar contains an entry for this variant (ClinVar ID: 1399926; PMID: 17846997) - PS4_supporting. The variant is present at low allele frequencies population databases (rs75326546 – gnomAD 0.00007075%; ABraOM no frequency) - PM2_supporting. In summary, the currently available evidence indicates that the variant is pathogenic.

Literature cited by the submitters: PubMed 17846997 (cited by Labcorp Genetics (formerly Invitae), Labcorp and Dasa).

NM_024570.4(RNASEH2B):c.172C>T (p.Gln58Ter)

Gene: RNASEH2B (ribonuclease H2 subunit B; plus strand). Cytogenetic location: 13q14.3.
Variant type: single nucleotide variant.
Coding change: c.172C>T on transcript NM_024570.4 (MANE Select); coding-DNA position 172, C replaced by T.
Protein change: p.Gln58Ter; replaces glutamine 58 with a stop codon.
Molecular consequence: nonsense.
Genome position (GRCh38, 1-based): chr13:50,929,510, C>T. VCF-style: chr13-50929510-C-T. GRCh37 (hg19) VCF-style: chr13-51503646-C-T.
Other names: c.172C>T, p.Gln58Ter (NM_001142279.2); short protein forms Q58*.
Identifiers: ClinVar variation 1399926 (VCV001399926.10), dbSNP rs75326546, ClinGen allele CA6985478.